The following is an entry in ClinVar:

NM_032638.5(GATA2):c.733C>T (p.Pro245Ser)

Gene: GATA2 (GATA binding protein 2; minus strand). Cytogenetic location: 3q21.3.
Variant type: single nucleotide variant.
Coding change: c.733C>T on transcript NM_032638.5 (MANE Select); coding-DNA position 733, C replaced by T.
Protein change: p.Pro245Ser; replaces proline 245 with serine.
Molecular consequence: missense variant.
Genome position (GRCh38, 1-based): chr3:128,485,865, G>A on the plus strand (C>T on the coding strand, the complement: GATA2 is on the minus strand). VCF-style: chr3-128485865-G-A. GRCh37 (hg19) VCF-style: chr3-128204708-G-A.
Other names: c.733C>T, p.Pro245Ser (NM_001145661.2, NM_001145662.1); short protein forms P245S.
Identifiers: ClinVar variation 850765 (VCV000850765.8), dbSNP rs2068688443, ClinGen allele CA354406103.

ClinVar aggregate classification (germline): Uncertain significance. Review status: criteria provided, multiple submitters, no conflicts (2 of 4 stars). 2 submissions from 2 submitters: Uncertain significance (2). Last evaluated 2025-07-13.

Conditions:
Inborn genetic diseases. Identifiers: MedGen C0950123, MeSH D030342.
Deafness-lymphedema-leukemia syndrome. Also called: Emberger syndrome; Lymphedema, primary, with myelodysplasia. Identifiers: Orphanet 3226, MedGen C3279664, MONDO:0013540, OMIM 614038.
Monocytopenia with susceptibility to infections. Also called: GATA2 DEFICIENCY; IMMUNODEFICIENCY 21; MONOCYTOPENIA AND MYCOBACTERIAL INFECTION SYNDROME; MONOCYTOPENIA WITH SUSCEPTIBILITY TO MYCOBACTERIAL, FUNGAL, AND PAPILLOMAVIRUS INFECTIONS AND MYELODYSPLASIA; COMBINED IMMUNODEFICIENCY WITH SUSCEPTIBILITY TO MYCOBACTERIAL, VIRAL, AND FUNGAL INFECTIONS; Dendritic cell, monocyte, B lymphocyte, and natural killer lymphocyte deficiency. Identifiers: Orphanet 228423, MedGen C3280030, MONDO:0013607, OMIM 614172.

gnomAD v4.1: 1 of 1,614,090 alleles (0.000062%); highest among the groups gnomAD compares: Non-Finnish European, 0.000085%; no homozygotes.

Submissions (2):

Labcorp Genetics (formerly Invitae), Labcorp
Classification: Uncertain significance for Monocytopenia with susceptibility to infections; Deafness-lymphedema-leukemia syndrome. Last evaluated: 2025-07-13. Review status: criteria provided, single submitter. Criteria: Invitae Variant Classification Sherloc (09022015). Collection method: clinical testing. Allele origin: germline.
Comment: This sequence change replaces proline, which is neutral and non-polar, with serine, which is neutral and polar, at codon 245 of the GATA2 protein (p.Pro245Ser). This variant is not present in population databases (gnomAD no frequency). This variant has not been reported in the literature in individuals affected with GATA2-related conditions. ClinVar contains an entry for this variant (Variation ID: 850765). Invitae Evidence Modeling of protein sequence and biophysical properties (such as structural, functional, and spatial information, amino acid conservation, physicochemical variation, residue mobility, and thermodynamic stability) has been performed for this missense variant. However, the output from this modeling did not meet the statistical confidence thresholds required to predict the impact of this variant on GATA2 protein function. In summary, the available evidence is currently insufficient to determine the role of this variant in disease. Therefore, it has been classified as a Variant of Uncertain Significance.

Ambry Genetics
Classification: Uncertain significance for Inborn genetic diseases. Last evaluated: 2025-01-16. Review status: criteria provided, single submitter. Criteria: Ambry Variant Classification Scheme 2023. Collection method: clinical testing. Allele origin: germline.
Comment: The p.P245S variant (also known as c.733C>T), located in coding exon 2 of the GATA2 gene, results from a C to T substitution at nucleotide position 733. The proline at codon 245 is replaced by serine, an amino acid with similar properties. This amino acid position is highly conserved in available vertebrate species. In addition, this alteration is predicted to be deleterious by in silico analysis. Based on the available evidence, the clinical significance of this variant remains unclear.